The following is an entry in ClinVar:

NM_000187.4(HGD):c.440T>C (p.Phe147Ser)

Gene: HGD (homogentisate 1,2-dioxygenase; minus strand). Cytogenetic location: 3q13.33.
Variant type: single nucleotide variant.
Coding change: c.440T>C on transcript NM_000187.4 (MANE Select); coding-DNA position 440, T replaced by C.
Protein change: p.Phe147Ser; replaces phenylalanine 147 with serine.
Molecular consequence: missense variant.
Genome position (GRCh38, 1-based): chr3:120,647,906, A>G on the plus strand (T>C on the coding strand, the complement: HGD is on the minus strand). VCF-style: chr3-120647906-A-G. GRCh37 (hg19) VCF-style: chr3-120366753-A-G.
Other names: short protein forms F147S.
Identifiers: ClinVar variation 2626839 (VCV002626839.1), dbSNP rs2472705677, ClinGen allele CA354077467.

ClinVar aggregate classification (germline): Pathogenic (0 of 4 stars; one submission).

Conditions:
Alkaptonuria (AKU). Also called: Alkaptonuric ochronosis; Homogentisic acidura; Alcaptonuria; HOMOGENTISIC ACID OXIDASE DEFICIENCY. Identifiers: Orphanet 56, MedGen C0002066, MONDO:0008753, OMIM 203500.

Submission:

Department Of Human Genetics, Institute Of Clinical And Translational Research, Biomedical Research Center, Slovak Academy Of Sciences
Classification: Pathogenic for Alkaptonuria. Review status: no assertion criteria provided. Collection method: research. Allele origin: germline. Inheritance: Autosomal recessive inheritance. Affected: yes. Observed: 2 variant alleles.
Comment: The variant was originally described in AKU patient in PMID:25804398. It has been submitted to the HGD gene mutation database (DB-ID: AKU_00155).

Literature cited by the submitters: PubMed 25804398.